The following is an entry in ClinVar:

NM_001042492.3(NF1):c.3073A>G (p.Arg1025Gly)

Gene: NF1 (neurofibromin 1; plus strand). Cytogenetic location: 17q11.2.
Variant type: single nucleotide variant.
Coding change: c.3073A>G on transcript NM_001042492.3 (MANE Select); coding-DNA position 3073, A replaced by G.
Protein change: p.Arg1025Gly; replaces arginine 1025 with glycine.
Molecular consequence: missense variant.
Genome position (GRCh38, 1-based): chr17:31,230,342, A>G. VCF-style: chr17-31230342-A-G. GRCh37 (hg19) VCF-style: chr17-29557360-A-G.
Other names: c.3073A>G, p.Arg1025Gly (NM_000267.4); short protein forms R1025G.
Identifiers: ClinVar variation 2771505 (VCV002771505.3), dbSNP rs2508206633, ClinGen allele CA398987474.

ClinVar aggregate classification (germline): Uncertain significance (1 of 4 stars; one submission).

Conditions:
Neurofibromatosis, type 1 (NF1). Also called: VON RECKLINGHAUSEN DISEASE; Neurofibromatosis, type I; NEUROFIBROMATOSIS, TYPE I, SOMATIC; Peripheral type neurofibromatosis. Identifiers: Orphanet 636, MedGen C0027831, MONDO:0018975, OMIM 162200. Disease mechanism: loss of function.

Submission:

Labcorp Genetics (formerly Invitae), Labcorp
Classification: Uncertain significance for Neurofibromatosis, type 1. Last evaluated: 2023-10-24. Review status: criteria provided, single submitter. Criteria: Invitae Variant Classification Sherloc (09022015). Collection method: clinical testing. Allele origin: germline.
Comment: This sequence change replaces arginine, which is basic and polar, with glycine, which is neutral and non-polar, at codon 1025 of the NF1 protein (p.Arg1025Gly). This variant is not present in population databases (gnomAD no frequency). This variant has not been reported in the literature in individuals affected with NF1-related conditions. Advanced modeling of protein sequence and biophysical properties (such as structural, functional, and spatial information, amino acid conservation, physicochemical variation, residue mobility, and thermodynamic stability) performed at Invitae indicates that this missense variant is expected to disrupt NF1 protein function with a positive predictive value of 95%. In summary, the available evidence is currently insufficient to determine the role of this variant in disease. Therefore, it has been classified as a Variant of Uncertain Significance.